The following is an entry in ClinVar:

ClinVar aggregate classification (germline): Uncertain significance. Review status: criteria provided, multiple submitters, no conflicts (2 of 4 stars). 2 submissions from 2 submitters: Uncertain significance (2). Last evaluated 2025-12-29.

Conditions:
Ataxia-telangiectasia syndrome (AT). Also called: Ataxia telangiectasia (A-T); Ataxia-telangiectasia, complementation group D; AT, COMPLEMENTATION GROUP C; ATAXIA-TELANGIECTASIA, COMPLEMENTATION GROUP A; Ataxia-telangiectasia, complementation group E; ATAXIA-TELANGIECTASIA, FRESNO VARIANT. Identifiers: Orphanet 100, MedGen C0004135, MONDO:0008840, OMIM 208900.

Submissions (2):

Center for Genomic Medicine, Rigshospitalet, Copenhagen University Hospital
Classification: Uncertain significance. Last evaluated: 2025-12-29. Review status: criteria provided, single submitter. Criteria: ACMG Guidelines, 2015. Collection method: clinical testing. Allele origin: germline.

Labcorp Genetics (formerly Invitae), Labcorp
Classification: Uncertain significance for Ataxia-telangiectasia syndrome. Last evaluated: 2025-06-03. Review status: criteria provided, single submitter. Criteria: Invitae Variant Classification Sherloc (09022015). Collection method: clinical testing. Allele origin: germline.
Comment: This sequence change replaces glutamine, which is neutral and polar, with histidine, which is basic and polar, at codon 1171 of the ATM protein (p.Gln1171His). This variant is not present in population databases (gnomAD no frequency). This variant has not been reported in the literature in individuals affected with ATM-related conditions. ClinVar contains an entry for this variant (Variation ID: 568654). Invitae Evidence Modeling of protein sequence and biophysical properties (such as structural, functional, and spatial information, amino acid conservation, physicochemical variation, residue mobility, and thermodynamic stability) indicates that this missense variant is not expected to disrupt ATM protein function with a negative predictive value of 95%. In summary, the available evidence is currently insufficient to determine the role of this variant in disease. Therefore, it has been classified as a Variant of Uncertain Significance.

NM_000051.4(ATM):c.3513G>T (p.Gln1171His)

Gene: ATM (ATM serine/threonine kinase; plus strand). Cytogenetic location: 11q22.3.
Variant type: single nucleotide variant.
Coding change: c.3513G>T on transcript NM_000051.4 (MANE Select); coding-DNA position 3513, G replaced by T.
Protein change: p.Gln1171His; replaces glutamine 1171 with histidine.
Molecular consequence: missense variant.
Genome position (GRCh38, 1-based): chr11:108,281,105, G>T. VCF-style: chr11-108281105-G-T. GRCh37 (hg19) VCF-style: chr11-108151832-G-T.
Other names: c.3513G>T, p.Gln1171His (NM_001351834.2); short protein forms Q1171H.
Identifiers: ClinVar variation 568654 (VCV000568654.13), dbSNP rs757201878, ClinGen allele CA382519947.